The following is an entry in ClinVar:

ClinVar aggregate classification (germline): Conflicting classifications of pathogenicity. Review status: criteria provided, conflicting classifications (1 of 4 stars). 4 submissions from 4 submitters: Likely pathogenic (1); Uncertain significance (3). Last evaluated 2026-04-14.

Conditions:
Progressive familial intrahepatic cholestasis type 3. Also called: MDR3 DEFICIENCY; Low Gamma-GT Familial Intrahepatic Cholestasis. Identifiers: Orphanet 79305, MedGen C1865643, MONDO:0011214, OMIM 602347.
Familial intrahepatic cholestasis. Identifiers: Orphanet 284385, MedGen CN296401, MONDO:0017290.
ABCB4-related disorder. Also called: ABCB4-related disorders; ABCB4-related condition.

Submissions (4):

Genomenon, Inc
Classification: Uncertain significance for Familial intrahepatic cholestasis. Last evaluated: 2026-04-14. Review status: criteria provided, single submitter. Criteria: Genomenon Sequence Variant Interpretation Standards - Updated. Collection method: curation. Allele origin: germline. Affected: yes.
Comment: ABCB4 p.Gly773Val (c.2318G>T) is a missense variant that changes the amino acid at residue 773 from Glycine to Valine. This variant has been observed in at least one proband with an ABCB4-related disorder (PMID:37584002;34016879). It is absent or not present at a significant frequency in gnomAD. In silico models predict that this variant is possibly or probably damaging. In conclusion, we classify ABCB4 p.Gly773Val (c.2318G>T) as a variant of uncertain significance.

PreventionGenetics, part of Exact Sciences
Classification: Uncertain significance for ABCB4-related condition. Last evaluated: 2026-01-28. Review status: criteria provided, single submitter. Criteria: ACMG Guidelines, 2015. Collection method: clinical testing. Allele origin: germline.
Comment: The ABCB4 c.2318G>T variant is predicted to result in the amino acid substitution p.Gly773Val. This variant has been reported in the heterozygous and compound heterozygous state in individuals with cholelithiasis (supplementary digital table 4, Hertel PM et al 2021. PubMed ID: 34016879, Jirsa et al. 2014. PubMed ID: 24914347). This variant has not been reported in a large population database (gnomAD), indicating this variant is rare. Although we suspect that this variant may be pathogenic, at this time, the clinical significance of this variant is uncertain due to the absence of conclusive functional and genetic evidence.

Genetics and Molecular Pathology, SA Pathology
Classification: Likely pathogenic for Progressive familial intrahepatic cholestasis type 3. Last evaluated: 2022-11-23. Review status: criteria provided, single submitter. Criteria: ACMG Guidelines, 2015. Collection method: clinical testing. Allele origin: germline. Affected: yes.
Comment: The ABCB4 c.2318G>T variant is classified as Likely Pathogenic (PS4_Supporting, PM2, PM5, PP3) The ABCB4 c.2318G>T variant is a single nucleotide change in exon 19/28 of the ABCB4 gene, which is predicted to change the amino acid glycine at position 773 in the protein to valine. The variant has been reported in 2 probands with a clinical presentation of cholelithiasis (Jirsa et al 2014, PMID:24914347; Hertel et al 2021, PMID:34016879) (PS4_Supporting). This variant is absent from population databases (PM2). This variant is located in the conserved ABC transporter transmembrane region (PM1). This variant is a missense change at an amino acid residue where the missense change p.Gly773Arg has been reported as disease-causing before (Davit-Spraul et al, 2010; PMID:20422496) (PM5). Computational predictions support a deleterious effect on the gene or gene product (PP3). The variant has been reported in dbSNP (rs1554401811) and in the HGMD database: CM147042. It has been reported as Uncertain significance by other diagnostic laboratories (ClinVar Variation ID: 502777).

Eurofins Ntd Llc (ga)
Classification: Uncertain significance. Last evaluated: 2017-06-29. Review status: criteria provided, single submitter. Criteria: EGL Classification Definitions 2015. Collection method: clinical testing. Allele origin: germline. Observed: 1 variant allele, 1 heterozygote.

Literature cited by the submitters: PubMed 37584002 (cited by Genomenon, Inc); PubMed 34016879 (cited by Genomenon, Inc and Genetics and Molecular Pathology, SA Pathology); PubMed 20422496 (cited by Genetics and Molecular Pathology, SA Pathology); PubMed 24914347 (cited by Genetics and Molecular Pathology, SA Pathology).

NM_000443.4(ABCB4):c.2318G>T (p.Gly773Val)

Gene: ABCB4 (ATP binding cassette subfamily B member 4; minus strand). Cytogenetic location: 7q21.12.
Variant type: single nucleotide variant.
Coding change: c.2318G>T on transcript NM_000443.4 (MANE Select); coding-DNA position 2318, G replaced by T.
Protein change: p.Gly773Val; replaces glycine 773 with valine.
Molecular consequence: missense variant.
Genome position (GRCh38, 1-based): chr7:87,420,074, C>A on the plus strand (G>T on the coding strand, the complement: ABCB4 is on the minus strand). VCF-style: chr7-87420074-C-A. GRCh37 (hg19) VCF-style: chr7-87049390-C-A.
Other names: c.2318G>T (NM_000443.3); c.2318G>T, p.Gly773Val (NM_018849.3, NM_018850.3); short protein forms G773V.
Identifiers: ClinVar variation 502777 (VCV000502777.8), dbSNP rs1554401811, ClinGen allele CA368062842.
Genomic context (GRCh38, chr7:87,420,074, plus strand): 5'-TTAAAAGCCATTGACCGCAGTCTTCTGGTGAGGATCTCGCCAGCTTTCCCAAACGTGAAA[C>A]CCTGGTTGAGAAAAAAGGCTATGGTCTCTTTTGATCTTTATGTATGTAATTGCACCAGAC-3'
Protein context (NP_000434.1, residues 763-783): IISFFTFFLQ[Gly773Val]FTFGKAGEIL